The following is an entry in ClinVar:

NM_004333.6(BRAF):c.1140+3283G>A

Gene: BRAF (B-Raf proto-oncogene, serine/threonine kinase; minus strand). Cytogenetic location: 7q34.
Variant type: single nucleotide variant.
Coding change: c.1140+3283G>A on transcript NM_004333.6 (MANE Select); 3283 bases into the intron after coding-DNA position 1140, G replaced by A.
Molecular consequence: intron variant.
Genome position (GRCh38, 1-based): chr7:140,791,025, C>T on the plus strand (G>A on the coding strand, the complement: BRAF is on the minus strand). VCF-style: chr7-140791025-C-T. GRCh37 (hg19) VCF-style: chr7-140490825-C-T.
Other names: c.1140+3283G>A (NM_001378474.1, NM_001378471.1, NM_001378468.1 and 4 more transcripts); c.1038+3283G>A (NM_001378470.1); c.876+3283G>A (NM_001378475.1); c.1149+3283G>A (NM_001378467.1); c.984+3283G>A (NM_001378472.1, NM_001378473.1).
Identifiers: ClinVar variation 2658057 (VCV002658057.24), dbSNP rs570901372, ClinGen allele CA168097895.

ClinVar aggregate classification (germline): Likely benign (1 of 4 stars; one submission).

Allele frequency attached by ClinVar (database versions not stated): gnomAD 0.00061; 1000 Genomes Project 30x 0.00062; TOPMed 0.00070; 1000 Genomes Project 0.00080.
gnomAD v4.1: 93 of 152,210 alleles (0.061%); highest among the groups gnomAD compares: Middle Eastern, 1%; no homozygotes.

Submission:

CeGaT Center for Human Genetics Tuebingen
Classification: Likely benign. Last evaluated: 2025-05-01. Review status: criteria provided, single submitter. Criteria: CeGaT Center For Human Genetics Tuebingen Variant Classification Criteria Version 2. Collection method: clinical testing. Allele origin: germline. Affected: yes. Observed: 5 variant alleles.
Comment: BRAF: BS1